The following is an entry in ClinVar:

ClinVar aggregate classification (germline): Uncertain significance (1 of 4 stars; one submission).

Submission:

Labcorp Genetics (formerly Invitae), Labcorp
Classification: Uncertain significance. Last evaluated: 2024-09-30. Review status: criteria provided, single submitter. Criteria: Invitae Variant Classification Sherloc (09022015). Collection method: clinical testing. Allele origin: germline.
Comment: This sequence change replaces leucine, which is neutral and non-polar, with phenylalanine, which is neutral and non-polar, at codon 43 of the LZTR1 protein (p.Leu43Phe). This variant is not present in population databases (gnomAD no frequency). This variant has not been reported in the literature in individuals affected with LZTR1-related conditions. Invitae Evidence Modeling of protein sequence and biophysical properties (such as structural, functional, and spatial information, amino acid conservation, physicochemical variation, residue mobility, and thermodynamic stability) indicates that this missense variant is not expected to disrupt LZTR1 protein function with a negative predictive value of 80%. In summary, the available evidence is currently insufficient to determine the role of this variant in disease. Therefore, it has been classified as a Variant of Uncertain Significance.

NM_006767.4(LZTR1):c.127C>T (p.Leu43Phe)

Gene: LZTR1 (leucine zipper like post translational regulator 1; plus strand). Cytogenetic location: 22q11.21.
Variant type: single nucleotide variant.
Coding change: c.127C>T on transcript NM_006767.4 (MANE Select); coding-DNA position 127, C replaced by T.
Protein change: p.Leu43Phe; replaces leucine 43 with phenylalanine.
Molecular consequence: missense variant.
Genome position (GRCh38, 1-based): chr22:20,982,498, C>T. VCF-style: chr22-20982498-C-T. GRCh37 (hg19) VCF-style: chr22-21336787-C-T.
Other names: short protein forms L43F.
Identifiers: ClinVar variation 3695438 (VCV003695438.2).